The following is an entry in ClinVar:

ClinVar aggregate classification (germline): Likely benign. Review status: criteria provided, multiple submitters, no conflicts (2 of 4 stars). 2 submissions from 2 submitters: Likely benign (2). Last evaluated 2026-01-22.

Conditions:
Nemaline myopathy 2 (NEM2). Also called: Nemaline myopathy 2, autosomal recessive. Identifiers: MedGen C1850569, MONDO:0009725, OMIM 256030.

Allele frequency attached by ClinVar (database versions not stated): gnomAD 0.00008 and 0.00010; gnomAD exomes 0.00009 and 0.00012; TOPMed 0.00014; ExAC 0.00016; ESP Exome Variant Server 0.00024.
gnomAD v4.1: 159 of 1,613,906 alleles (0.0099%); highest among the groups gnomAD compares: Middle Eastern, 0.15%; 1 homozygote.

Submissions (2):

Labcorp Genetics (formerly Invitae), Labcorp
Classification: Likely benign for Nemaline myopathy 2. Last evaluated: 2026-01-22. Review status: criteria provided, single submitter. Criteria: Invitae Variant Classification Sherloc (09022015). Collection method: clinical testing. Allele origin: germline.

CeGaT Center for Human Genetics Tuebingen
Classification: Likely benign. Last evaluated: 2022-07-01. Review status: criteria provided, single submitter. Criteria: CeGaT Center For Human Genetics Tuebingen Variant Classification Criteria Version 2. Collection method: clinical testing. Allele origin: germline. Affected: yes. Observed: 1 variant allele.
Comment: NEB: BP4, BP7

NM_001164508.2(NEB):c.3918G>A (p.Lys1306=)

Gene: NEB (nebulin; minus strand). Cytogenetic location: 2q23.3.
Variant type: single nucleotide variant.
Coding change: c.3918G>A on transcript NM_001164508.2 (MANE Select); coding-DNA position 3918, G replaced by A.
Protein change: p.Lys1306=; no amino-acid change (lysine 1306 retained).
Molecular consequence: synonymous variant.
Genome position (GRCh38, 1-based): chr2:151,674,546, C>T on the plus strand (G>A on the coding strand, the complement: NEB is on the minus strand). VCF-style: chr2-151674546-C-T. GRCh37 (hg19) VCF-style: chr2-152531060-C-T.
Other names: c.3918G>A, p.Lys1306= (NM_001164507.2, NM_001271208.2, NM_004543.5).
Identifiers: ClinVar variation 465602 (VCV000465602.35), dbSNP rs368682145, ClinGen allele CA1910786.